The following is an entry in ClinVar:

NM_001365536.1(SCN9A):c.491C>T (p.Thr164Ile)

Gene: SCN9A (sodium voltage-gated channel alpha subunit 9; minus strand). Cytogenetic location: 2q24.3.
Variant type: single nucleotide variant.
Coding change: c.491C>T on transcript NM_001365536.1 (MANE Select); coding-DNA position 491, C replaced by T.
Protein change: p.Thr164Ile; replaces threonine 164 with isoleucine.
Molecular consequence: missense variant.
Genome position (GRCh38, 1-based): chr2:166,305,897, G>A on the plus strand (C>T on the coding strand, the complement: SCN9A is on the minus strand). VCF-style: chr2-166305897-G-A. GRCh37 (hg19) VCF-style: chr2-167162407-G-A.
Other names: c.491C>T, p.Thr164Ile (NM_002977.4); short protein forms T164I.
Identifiers: ClinVar variation 2053984 (VCV002053984.4), dbSNP rs2468130375, ClinGen allele CA349095232.
Genomic context (GRCh38, chr2:166,305,897, plus strand): 5'-AGAAAAGTGAATTCTCCTACACAGAAGCCTCTTGCAAGGATTTTTACAAGTGATTCAAAA[G>A]TATATATTCCAGTAAAAGTGTACCTAAACACAAGATTCCATTGGGATACTAGATGTGAAA-3'
Protein context (NP_001352465.1, residues 154-174): NVEYTFTGIY[Thr164Ile]FESLVKILAR

ClinVar aggregate classification (germline): Uncertain significance (1 of 4 stars; one submission).

Conditions:
Neuropathy, hereditary sensory and autonomic, type 2A (HSAN2A). Also called: MORVAN DISEASE; NEUROPATHY, CONGENITAL SENSORY; NEUROPATHY, HEREDITARY SENSORY RADICULAR, AUTOSOMAL RECESSIVE; NEUROPATHY, HEREDITARY SENSORY, TYPE IIA; NEUROPATHY, PROGRESSIVE SENSORY, OF CHILDREN; WNK1-Related HSAN2 (HSAN2A). Identifiers: Orphanet 970, MedGen C2752089, MONDO:0024309, OMIM 201300.
Generalized epilepsy with febrile seizures plus, type 7 (GEFSP7). Also called: GEFS+, TYPE 7. Identifiers: Orphanet 36387, MedGen C2751778, MONDO:0013470, OMIM 613863.

Allele frequency attached by ClinVar (database versions not stated): gnomAD exomes below 0.00001.
gnomAD v4.1: 1 of 1,612,998 alleles (0.000062%); highest among the groups gnomAD compares: Non-Finnish European, 0.000085%; no homozygotes.

Submission:

Labcorp Genetics (formerly Invitae), Labcorp
Classification: Uncertain significance for Neuropathy, hereditary sensory and autonomic, type 2A; Generalized epilepsy with febrile seizures plus, type 7. Last evaluated: 2022-07-29. Review status: criteria provided, single submitter. Criteria: Invitae Variant Classification Sherloc (09022015). Collection method: clinical testing. Allele origin: germline.
Comment: This variant has not been reported in the literature in individuals affected with SCN9A-related conditions. This variant is not present in population databases (gnomAD no frequency). This sequence change replaces threonine, which is neutral and polar, with isoleucine, which is neutral and non-polar, at codon 164 of the SCN9A protein (p.Thr164Ile). Algorithms developed to predict the effect of missense changes on protein structure and function are either unavailable or do not agree on the potential impact of this missense change (SIFT: "Deleterious"; PolyPhen-2: "Probably Damaging"; Align-GVGD: "Class C0"). In summary, the available evidence is currently insufficient to determine the role of this variant in disease. Therefore, it has been classified as a Variant of Uncertain Significance.